The following is an entry in ClinVar:

ClinVar aggregate classification (germline): Uncertain significance (1 of 4 stars; one submission).

Submission:

Labcorp Genetics (formerly Invitae), Labcorp
Classification: Uncertain significance. Last evaluated: 2024-08-13. Review status: criteria provided, single submitter. Criteria: Invitae Variant Classification Sherloc (09022015). Collection method: clinical testing. Allele origin: germline.
Comment: This sequence change replaces proline, which is neutral and non-polar, with serine, which is neutral and polar, at codon 493 of the SIX5 protein (p.Pro493Ser). This variant is not present in population databases (gnomAD no frequency). This variant has not been reported in the literature in individuals affected with SIX5-related conditions. Invitae Evidence Modeling of protein sequence and biophysical properties (such as structural, functional, and spatial information, amino acid conservation, physicochemical variation, residue mobility, and thermodynamic stability) indicates that this missense variant is not expected to disrupt SIX5 protein function with a negative predictive value of 80%. In summary, the available evidence is currently insufficient to determine the role of this variant in disease. Therefore, it has been classified as a Variant of Uncertain Significance.

NM_175875.5(SIX5):c.1477C>T (p.Pro493Ser)

Gene: SIX5 (SIX homeobox 5; minus strand). Cytogenetic location: 19q13.32.
Variant type: single nucleotide variant.
Coding change: c.1477C>T on transcript NM_175875.5 (MANE Select); coding-DNA position 1477, C replaced by T.
Protein change: p.Pro493Ser; replaces proline 493 with serine.
Molecular consequence: missense variant.
Genome position (GRCh38, 1-based): chr19:45,766,482, G>A on the plus strand (C>T on the coding strand, the complement: SIX5 is on the minus strand). VCF-style: chr19-45766482-G-A. GRCh37 (hg19) VCF-style: chr19-46269740-G-A.
Other names: short protein forms P493S.
Identifiers: ClinVar variation 3682668 (VCV003682668.2).